The following is an entry in ClinVar:

ClinVar aggregate classification (germline): Uncertain significance (1 of 4 stars; one submission).

Submission:

Labcorp Genetics (formerly Invitae), Labcorp
Classification: Uncertain significance. Last evaluated: 2024-08-14. Review status: criteria provided, single submitter. Criteria: Invitae Variant Classification Sherloc (09022015). Collection method: clinical testing. Allele origin: germline.
Comment: This sequence change replaces serine, which is neutral and polar, with leucine, which is neutral and non-polar, at codon 131 of the MSH3 protein (p.Ser131Leu). This variant is not present in population databases (gnomAD no frequency). This variant has not been reported in the literature in individuals affected with MSH3-related conditions. An algorithm developed to predict the effect of missense changes on protein structure and function outputs the following: PolyPhen-2: "Benign". The leucine amino acid residue is found in multiple mammalian species, which suggests that this missense change does not adversely affect protein function. In summary, the available evidence is currently insufficient to determine the role of this variant in disease. Therefore, it has been classified as a Variant of Uncertain Significance.

NM_002439.5(MSH3):c.392C>T (p.Ser131Leu)

Gene: MSH3 (mutS homolog 3; plus strand). Cytogenetic location: 5q14.1.
Variant type: single nucleotide variant.
Coding change: c.392C>T on transcript NM_002439.5 (MANE Select); coding-DNA position 392, C replaced by T.
Protein change: p.Ser131Leu; replaces serine 131 with leucine.
Molecular consequence: missense variant.
Genome position (GRCh38, 1-based): chr5:80,665,176, C>T. VCF-style: chr5-80665176-C-T. GRCh37 (hg19) VCF-style: chr5-79960995-C-T.
Other names: short protein forms S131L.
Identifiers: ClinVar variation 3630589 (VCV003630589.2).
Genomic context (GRCh38, chr5:80,665,176, plus strand): 5'-CTGTTTTCTTCTTATTTGCTGCCTAAGAGCCAAAGAAATGTCTGAGGACCAGGAATGTTT[C>T]AAAGTCTCTGGAAAAATTGAAAGAATTCTGCTGCGATTCTGCCCTTCCTCAAAGTAGAGT-3'
Protein context (NP_002430.3, residues 121-141): PKKCLRTRNV[Ser131Leu]KSLEKLKEFC